The following is an entry in ClinVar:

ClinVar aggregate classification (germline): Likely pathogenic (0 of 4 stars; one submission).

Conditions:
Autosomal recessive nonsyndromic hearing loss 9. Also called: NEUROSENSORY NONSYNDROMIC RECESSIVE DEAFNESS 9; OTOF-Related Hearing Loss; Deafness, autosomal recessive 9; AUDITORY NEUROPATHY, AUTOSOMAL RECESSIVE, 1, TEMPERATURE-SENSITIVE. Identifiers: Orphanet 90636, MedGen C1832828, MONDO:0010986, OMIM 601071.

gnomAD v4.1: 1 of 1,612,500 alleles (0.000062%); highest among the groups gnomAD compares: Non-Finnish European, 0.000085%; no homozygotes.

Submission:

Diagnosis and Treatment Center of Genetic Hearing Loss, Eye & ENT Hospital of Fudan University
Classification: Likely pathogenic for Autosomal recessive nonsyndromic hearing loss 9. Last evaluated: 2026-02-04. Review status: no assertion criteria provided. Collection method: clinical testing. Allele origin: germline. Inheritance: Autosomal recessive inheritance. Affected: yes.
Comment: The c.2214+5G>A intronic variant in OTOF has a spliceAI score of 0.51 (PP3). It is absent from population databases (PM2_Supporting). It has been reported in at least one patient with a pathogenic variant (c.[2214+5G>A];[831G>C]) and in a proband with a likely pathogenic variant (c.[5374C>T];[2214+5G>A]) (PM3_Strong; PMID: 34424407). The phenotype is consistent with auditory neuropathy (PP4).

Literature cited by the submitters: PubMed 34424407.

NM_194248.3(OTOF):c.2214+5G>A

Gene: OTOF (otoferlin; minus strand). Cytogenetic location: 2p23.3.
Variant type: single nucleotide variant.
Coding change: c.2214+5G>A on transcript NM_194248.3 (MANE Select); 5 bases into the intron after coding-DNA position 2214, G replaced by A.
Molecular consequence: intron variant.
Genome position (GRCh38, 1-based): chr2:26,479,259, C>T on the plus strand (G>A on the coding strand, the complement: OTOF is on the minus strand). VCF-style: chr2-26479259-C-T. GRCh37 (hg19) VCF-style: chr2-26702127-C-T.
Other names: c.2214+5G>A (NM_001287489.2).
Identifiers: ClinVar variation 4879915 (VCV004879915.1).
Genomic context (GRCh38, chr2:26,479,259, plus strand): 5'-AGGCCCTCTGACAGCGCCGTCTCCCCCAGGACCCCACCCCTGCTGGCCCCTGGCCTGGCC[C>T]TGACCAGCTTGTCGGCAATGTGGTCCATGATGTTGGCATTGTAGAGGCGGCGGCGCTGGT-3'